The following is an entry in ClinVar:

ClinVar aggregate classification (germline): Conflicting classifications of pathogenicity. Review status: criteria provided, conflicting classifications (1 of 4 stars). 2 submissions from 2 submitters: Likely pathogenic (1); Uncertain significance (1). Last evaluated 2026-07-01.

Conditions:
Glycogen storage disease, type II (IOPD). Also called: CARDIOMEGALIA GLYCOGENICA DIFFUSA; GLYCOGENOSIS, GENERALIZED, CARDIAC FORM; GSD II; Glycogen storage disease type 2; Acid maltase deficiency disease; Aglucosidase alfa. Identifiers: Orphanet 365, MedGen C0017921, MONDO:0009290, OMIM 232300.

gnomAD v4.1: 1 of 1,585,628 alleles (0.000063%); highest among the groups gnomAD compares: East Asian, 0.0023%; no homozygotes.

Submissions (2):

Genomenon, Inc
Classification: Uncertain significance for Glycogen storage disease, type II. Last evaluated: 2026-07-01. Review status: criteria provided, single submitter. Criteria: Genomenon Sequence Variant Interpretation Standards - Updated. Collection method: curation. Allele origin: germline. Affected: yes.
Comment: GAA p.Ala724Asp (c.2171C>A) is a missense variant that changes the amino acid at codon 724 from Alanine to Aspartic acid. This variant has been observed in at least one proband with a GAA-related disorder in the compound heterozygous and/or homozygous state (PMID:21940687;25388776). It is absent or not present at a significant frequency in gnomAD. In silico models predict that this variant is possibly or probably damaging. In conclusion, we classify GAA p.Ala724Asp (c.2171C>A) as a variant of uncertain significance.

3billion
Classification: Likely pathogenic for Glycogen storage disease, type II. Last evaluated: 2024-06-25. Review status: criteria provided, single submitter. Criteria: ACMG Guidelines, 2015. Collection method: clinical testing. Allele origin: germline. Affected: yes.
Comment: The variant is observed at an extremely low frequency in the gnomAD v4.0.0 dataset (total allele frequency: <0.001%). Predicted Consequence/Location: Missense variant In silico tool predictions suggest damaging effect of the variant on gene or gene product [REVEL: 0.90 (>=0.6, sensitivity 0.68 and specificity 0.92); 3Cnet: 0.92 (>=0.6, sensitivity 0.72 and precision 0.9)]. The same nucleotide change resulting in the same amino acid change has been previously reported to be associated with GAA related disorder (PMID: 21940687).The variant has been reported to be in trans with a pathogenic variant as either compound heterozygous or homozygous in at least one similarly affected unrelated individual (3billion dataset). Therefore, this variant is classified as Likely pathogenic according to the recommendation of ACMG/AMP guideline.

Literature cited by the submitters: PubMed 21940687 (cited by Genomenon, Inc and 3billion); PubMed 25388776 (cited by Genomenon, Inc).

NM_000152.5(GAA):c.2171C>A (p.Ala724Asp)

Gene: GAA (alpha glucosidase; plus strand). Cytogenetic location: 17q25.3.
Variant type: single nucleotide variant.
Coding change: c.2171C>A on transcript NM_000152.5 (MANE Select); coding-DNA position 2171, C replaced by A.
Protein change: p.Ala724Asp; replaces alanine 724 with aspartic acid.
Molecular consequence: missense variant.
Genome position (GRCh38, 1-based): chr17:80,113,348, C>A. VCF-style: chr17-80113348-C-A. GRCh37 (hg19) VCF-style: chr17-78087147-C-A.
Other names: c.2171C>A, p.Ala724Asp (NM_001079803.3, NM_001079804.3, NM_001406741.1 and 1 more transcripts); short protein forms A724D.
Identifiers: ClinVar variation 4292969 (VCV004292969.2).